The following is an entry in ClinVar:

ClinVar aggregate classification (germline): Pathogenic (1 of 4 stars; one submission).

Conditions:
Developmental and epileptic encephalopathy 91. Also called: EPILEPTIC ENCEPHALOPATHY, INFANTILE OR EARLY CHILDHOOD, 1. Identifiers: MedGen C4540199, MONDO:0020630, OMIM 617711.

Submission:

Pediatric Department, Peking University First Hospital
Classification: Pathogenic for Developmental and epileptic encephalopathy 91. Last evaluated: 2025-05-24. Review status: criteria provided, single submitter. Criteria: ACMG Guidelines, 2015. Collection method: research. Allele origin: de novo. Affected: yes.
Comment: Pathogenic(PVS1, PS2, PM2)

NM_000944.5(PPP3CA):c.1284_1287dup (p.Gly430fs)

Gene: PPP3CA (protein phosphatase 3 catalytic subunit alpha; minus strand). Cytogenetic location: 4q24.
Variant type: Duplication.
Coding change: c.1284_1287dup on transcript NM_000944.5 (MANE Select); coding-DNA positions 1284 to 1287, 4 bases duplicated (AACT; older notation c.1284_1287dupAACT).
Protein change: p.Gly430fs; shifts the reading frame from glycine 430.
Molecular consequence: frameshift variant.
Genome position (GRCh38, 1-based): chr4:101,032,319-101,032,322, AGTT duplicated on the plus strand (AACT on the coding strand, the reverse complement: PPP3CA is on the minus strand). VCF-style (leftmost placement, unchanged base first): chr4-101032318-C-CAGTT. GRCh37 (hg19) VCF-style: chr4-101953475-C-CAGTT.
Other names: c.1284_1287dup, p.Gly430fs (NM_001130691.2); c.1158_1161dup, p.Gly388fs (NM_001130692.2); short protein forms G388fs, G430fs.
Identifiers: ClinVar variation 3900641 (VCV003900641.1).